The following is an entry in ClinVar:

NM_152296.5(ATP1A3):c.7-2A>C

Gene: ATP1A3 (ATPase Na+/K+ transporting subunit alpha 3; minus strand). Cytogenetic location: 19q13.2.
Variant type: single nucleotide variant.
Coding change: c.7-2A>C on transcript NM_152296.5 (MANE Select); the canonical splice acceptor site of the intron before coding-DNA position 7, A replaced by C.
Molecular consequence: splice acceptor variant. On other transcripts: missense variant (1).
Genome position (GRCh38, 1-based): chr19:41,988,564, T>G on the plus strand (A>C on the coding strand, the complement: ATP1A3 is on the minus strand). VCF-style: chr19-41988564-T-G. GRCh37 (hg19) VCF-style: chr19-42492716-T-G.
Other names: c.44A>C, p.Gln15Pro (NM_001256214.2); c.40-2A>C (NM_001256213.2); short protein forms Q15P.
Identifiers: ClinVar variation 623954 (VCV000623954.46), dbSNP rs1555866356, ClinGen allele CA406058107.

ClinVar aggregate classification (germline): Conflicting classifications of pathogenicity. Review status: criteria provided, conflicting classifications (1 of 4 stars). 2 submissions from 2 submitters: Likely pathogenic (1); Uncertain significance (1). Last evaluated 2023-11-04.

Conditions:
Dystonia 12 (DYT12). Also called: DYT-ATP1A3; Rapid-Onset Dystonia-Parkinsonism (RDP). Identifiers: Orphanet 71517, MedGen C1868681, MONDO:0007496, OMIM 128235.

Allele frequency attached by ClinVar (database versions not stated): TOPMed 0.00001; gnomAD exomes 0.00001.
gnomAD v4.1: 4 of 1,614,132 alleles (0.00025%); highest among the groups gnomAD compares: Non-Finnish European, 0.00034%; no homozygotes.

Submissions (2):

Labcorp Genetics (formerly Invitae), Labcorp
Classification: Likely pathogenic for Dystonia 12. Last evaluated: 2023-11-04. Review status: criteria provided, single submitter. Criteria: Invitae Variant Classification Sherloc (09022015). Collection method: clinical testing. Allele origin: germline.
Comment: This sequence change affects an acceptor splice site in intron 1 of the ATP1A3 gene. It is expected to disrupt RNA splicing. Variants that disrupt the donor or acceptor splice site typically lead to a loss of protein function (PMID: 16199547), and loss-of-function variants in ATP1A3 are known to be pathogenic (PMID: 24631656, 24983657). This variant is present in population databases (no rsID available, gnomAD 0.003%). This variant has not been reported in the literature in individuals affected with ATP1A3-related conditions. ClinVar contains an entry for this variant (Variation ID: 623954). Algorithms developed to predict the effect of sequence changes on RNA splicing suggest that this variant may disrupt the consensus splice site. In summary, the currently available evidence indicates that the variant is pathogenic, but additional data are needed to prove that conclusively. Therefore, this variant has been classified as Likely Pathogenic.

CeGaT Center for Human Genetics Tuebingen
Classification: Uncertain significance. Last evaluated: 2018-07-01. Review status: criteria provided, single submitter. Criteria: CeGaT Center For Human Genetics Tuebingen Variant Classification Criteria Version 2. Collection method: clinical testing. Allele origin: germline. Affected: yes. Observed: 1 variant allele.

Literature cited by the submitters: PubMed 16199547 (cited by Labcorp Genetics (formerly Invitae), Labcorp); PubMed 24631656 (cited by Labcorp Genetics (formerly Invitae), Labcorp); PubMed 24983657 (cited by Labcorp Genetics (formerly Invitae), Labcorp).